The following is an entry in ClinVar:

NM_018010.4(IFT57):c.123C>A (p.Phe41Leu)

Gene: IFT57 (intraflagellar transport 57; minus strand). Cytogenetic location: 3q13.13.
Variant type: single nucleotide variant.
Coding change: c.123C>A on transcript NM_018010.4 (MANE Select); coding-DNA position 123, C replaced by A.
Protein change: p.Phe41Leu; replaces phenylalanine 41 with leucine.
Molecular consequence: missense variant.
Genome position (GRCh38, 1-based): chr3:108,222,200, G>T on the plus strand (C>A on the coding strand, the complement: IFT57 is on the minus strand). VCF-style: chr3-108222200-G-T. GRCh37 (hg19) VCF-style: chr3-107941047-G-T.
Other names: short protein forms F41L.
Identifiers: ClinVar variation 2877167 (VCV002877167.3), dbSNP rs764130073, ClinGen allele CA353912220.

ClinVar aggregate classification (germline): Uncertain significance (1 of 4 stars; one submission).

Submission:

Labcorp Genetics (formerly Invitae), Labcorp
Classification: Uncertain significance. Last evaluated: 2023-04-20. Review status: criteria provided, single submitter. Criteria: Invitae Variant Classification Sherloc (09022015). Collection method: clinical testing. Allele origin: germline.
Comment: In summary, the available evidence is currently insufficient to determine the role of this variant in disease. Therefore, it has been classified as a Variant of Uncertain Significance. An algorithm developed to predict the effect of missense changes on protein structure and function (PolyPhen-2) suggests that this variant is likely to be disruptive. This variant has not been reported in the literature in individuals affected with IFT57-related conditions. This variant is not present in population databases (gnomAD no frequency). This sequence change replaces phenylalanine, which is neutral and non-polar, with leucine, which is neutral and non-polar, at codon 41 of the IFT57 protein (p.Phe41Leu).